The following is an entry in ClinVar:

NM_182914.3(SYNE2):c.17008T>A (p.Phe5670Ile)

Gene: SYNE2 (spectrin repeat containing nuclear envelope protein 2; plus strand). Cytogenetic location: 14q23.2.
Variant type: single nucleotide variant.
Coding change: c.17008T>A on transcript NM_182914.3 (MANE Select); coding-DNA position 17008, T replaced by A.
Protein change: p.Phe5670Ile; replaces phenylalanine 5670 with isoleucine.
Molecular consequence: missense variant.
Genome position (GRCh38, 1-based): chr14:64,170,235, T>A. VCF-style: chr14-64170235-T-A. GRCh37 (hg19) VCF-style: chr14-64636953-T-A.
Other names: c.17008T>A, p.Phe5670Ile (NM_015180.6); short protein forms F5670I.
Identifiers: ClinVar variation 1404945 (VCV001404945.7), dbSNP rs750982331, ClinGen allele CA7223577.

ClinVar aggregate classification (germline): Uncertain significance (1 of 4 stars; one submission).

Conditions:
Emery-Dreifuss muscular dystrophy 5, autosomal dominant (EDMD5). Also called: EMERY-DREIFUSS MUSCULAR DYSTROPHY 5. Identifiers: Orphanet 261, MedGen C2751805, MONDO:0013072, OMIM 612999.

Allele frequency attached by ClinVar (database versions not stated): ExAC 0.00001; gnomAD 0.00001; gnomAD exomes 0.00001 and 0.00004; TOPMed 0.00001.
gnomAD v4.1: 63 of 1,613,790 alleles (0.0039%); highest among the groups gnomAD compares: Middle Eastern, 0.017%; no homozygotes.

Submission:

Labcorp Genetics (formerly Invitae), Labcorp
Classification: Uncertain significance for Emery-Dreifuss muscular dystrophy 5, autosomal dominant. Last evaluated: 2024-08-11. Review status: criteria provided, single submitter. Criteria: Invitae Variant Classification Sherloc (09022015). Collection method: clinical testing. Allele origin: germline.
Comment: This sequence change replaces phenylalanine, which is neutral and non-polar, with isoleucine, which is neutral and non-polar, at codon 5670 of the SYNE2 protein (p.Phe5670Ile). This variant is present in population databases (rs750982331, gnomAD 0.0009%). This variant has not been reported in the literature in individuals affected with SYNE2-related conditions. ClinVar contains an entry for this variant (Variation ID: 1404945). An algorithm developed to predict the effect of missense changes on protein structure and function (PolyPhen-2) suggests that this variant is likely to be disruptive. In summary, the available evidence is currently insufficient to determine the role of this variant in disease. Therefore, it has been classified as a Variant of Uncertain Significance.